The following is an entry in ClinVar:

ClinVar aggregate classification (germline): Likely benign. Review status: criteria provided, single submitter (1 of 4 stars). 2 submissions from 2 submitters: Likely benign (1). 1 of the submissions does not count toward it. Last evaluated 2026-02-01.

Conditions:
NUP188-related disorder. Also called: NUP188-related condition.

Allele frequency attached by ClinVar (database versions not stated): ESP Exome Variant Server 0.00008; TOPMed 0.00010; gnomAD 0.00012.
gnomAD v4.1: 244 of 1,614,202 alleles (0.015%); highest among the groups gnomAD compares: Middle Eastern, 1.4%; 6 homozygotes.

Submissions (2):

CeGaT Center for Human Genetics Tuebingen
Classification: Likely benign. Last evaluated: 2026-02-01. Review status: criteria provided, single submitter. Criteria: CeGaT Center For Human Genetics Tuebingen Variant Classification Criteria Version 2. Collection method: clinical testing. Allele origin: germline. Affected: yes. Observed: 3 variant alleles.
Comment: NUP188: BP4, BP7

PreventionGenetics, part of Exact Sciences
Classification: Likely benign for NUP188-related condition. Last evaluated: 2019-04-08. Review status: no assertion criteria provided. Collection method: clinical testing. Allele origin: germline. Not counted in ClinVar's aggregate classification.
Comment: This variant is classified as likely benign based on ACMG/AMP sequence variant interpretation guidelines (Richards et al. 2015 PMID: 25741868, with internal and published modifications).

NM_015354.3(NUP188):c.4260G>A (p.Leu1420=)

Gene: NUP188 (nucleoporin 188; plus strand). Cytogenetic location: 9q34.11.
Variant type: single nucleotide variant.
Coding change: c.4260G>A on transcript NM_015354.3 (MANE Select); coding-DNA position 4260, G replaced by A.
Protein change: p.Leu1420=; no amino-acid change (leucine 1420 retained).
Molecular consequence: synonymous variant.
Genome position (GRCh38, 1-based): chr9:129,002,939, G>A. VCF-style: chr9-129002939-G-A. GRCh37 (hg19) VCF-style: chr9-131765218-G-A.
Other names: c.4260G>A (NM_015354.2).
Identifiers: ClinVar variation 2659564 (VCV002659564.25), dbSNP rs61751464, ClinGen allele CA5273256.